The following is an entry in ClinVar:

NC_000007.13:g.(?_21920300)_(21924048_?)dup

Gene: DNAH11 (dynein axonemal heavy chain 11; plus strand). Cytogenetic location: 7p15.3.
Variant type: Duplication.
Identifiers: ClinVar variation 2424088 (VCV002424088.12).

ClinVar aggregate classification (germline): Uncertain significance (1 of 4 stars; one submission).

Conditions:
Primary ciliary dyskinesia. Also called: Ciliary dyskinesia. Identifiers: Orphanet 244, MedGen C0008780, MONDO:0016575, HP:0012265.

Submission:

Labcorp Genetics (formerly Invitae), Labcorp
Classification: Uncertain significance for Primary ciliary dyskinesia. Last evaluated: 2023-08-04. Review status: criteria provided, single submitter. Criteria: Invitae Variant Classification Sherloc (09022015). Collection method: clinical testing. Allele origin: germline.
Comment: In summary, the available evidence is currently insufficient to determine the role of this variant in disease. Therefore, it has been classified as a Variant of Uncertain Significance. Experimental studies and prediction algorithms are not available or were not evaluated, and the functional significance of this variant is currently unknown. This variant has not been reported in the literature in individuals affected with DNAH11-related conditions. This variant results in a copy number gain of the genomic region encompassing exon(s) 75-76 of the DNAH11 gene. While the exact position of this variant cannot be determined from the data, sub-genic copy number gains are generally in tandem (PMID: 25640679). This variant is predicted to be in-frame, and likely preserves the integrity of the reading frame.

Literature cited by the submitters: PubMed 25640679.